The following is an entry in ClinVar:

ClinVar aggregate classification (germline): Likely pathogenic (1 of 4 stars; one submission).

Conditions:
Maple syrup urine disease type 1B (MSUD1B). Also called: MSUD type IB; MSUD type 3 (formerly); MSUD due to deficiency of e1-beta subunit of branched-chain alpha-keto acid dehydrogenase complex. Identifiers: MedGen C2930990, MONDO:0023692, OMIM 620698.

Submission:

Natera, Inc.
Classification: Likely pathogenic for Maple syrup urine disease type 1B. Last evaluated: 2024-03-21. Review status: criteria provided, single submitter. Criteria: Natera Variant Classification Schema (03/2026). Collection method: clinical testing. Allele origin: germline.
Comment: The c.517delG variant in BCKDHB is a frameshift variant predicted to shift the reading frame beginning at codon 173 and leads to a stop codon 57 codons downstream. This variant is expected to result in nonsense mediated decay, truncation, or a dysfunctional protein product. This variant is rare in the general population with a frequency below the threshold expected for the associated phenotype(s). Given the available evidence, this variant is classified as Likely Pathogenic.

NM_183050.4(BCKDHB):c.517del (p.Asp173fs)

Gene: BCKDHB (branched chain keto acid dehydrogenase E1 subunit beta; plus strand). Cytogenetic location: 6q14.1.
Variant type: Deletion.
Coding change: c.517del on transcript NM_183050.4 (MANE Select); coding-DNA position 517, one base deleted (G; older notation c.517delG).
Protein change: p.Asp173fs; shifts the reading frame from aspartic acid 173.
Molecular consequence: frameshift variant. On other transcripts: non-coding transcript variant (6).
Genome position (GRCh38, 1-based): chr6:80,168,914, G deleted; the last of 4 consecutive G bases (chr6:80,168,911-80,168,914); deleting any one gives the same sequence. VCF-style (leftmost placement, unchanged base first): chr6-80168910-TG-T. GRCh37 (hg19) VCF-style: chr6-80878627-TG-T.
Other names: c.517del, p.Asp173fs (NM_001424038.1, NM_001424039.1, NM_001424040.1 and 8 more transcripts); c.307del, p.Asp103fs (NM_001424043.1, NM_001318975.1); short protein forms D103fs, D173fs.
Identifiers: ClinVar variation 4817023 (VCV004817023.1).